The following is an entry in ClinVar:

ClinVar aggregate classification (germline): Uncertain significance (1 of 4 stars; one submission).

Conditions:
Cardiovascular phenotype. Identifiers: MedGen CN230736.

Submission:

Ambry Genetics
Classification: Uncertain significance for Cardiovascular phenotype. Last evaluated: 2026-03-31. Review status: criteria provided, single submitter. Criteria: Ambry Variant Classification Scheme 2023. Collection method: clinical testing. Allele origin: germline.
Comment: The p.Q3422H variant (also known as c.10266G>T), located in coding exon 71 of the RYR2 gene, results from a G to T substitution at nucleotide position 10266. The glutamine at codon 3422 is replaced by histidine, an amino acid with highly similar properties. This variant was reported in individual(s) with features consistent with cardiomyopathy (Ware SM et al. Am J Hum Genet, 2022 Feb;109:282-298; Akinrinade O et al. J Cardiovasc Transl Res, 2023 Dec;16:1287-1302). This amino acid position is well conserved in available vertebrate species. In addition, the in silico prediction for this alteration is inconclusive. Based on the available evidence, the clinical significance of this variant remains unclear.

Literature cited by the submitters: PubMed 35026164; PubMed 37477868.

NM_001035.3(RYR2):c.10266G>T (p.Gln3422His)

Gene: RYR2 (ryanodine receptor 2; plus strand). Cytogenetic location: 1q43.
Variant type: single nucleotide variant.
Coding change: c.10266G>T on transcript NM_001035.3 (MANE Select); coding-DNA position 10266, G replaced by T.
Protein change: p.Gln3422His; replaces glutamine 3422 with histidine.
Molecular consequence: missense variant.
Genome position (GRCh38, 1-based): chr1:237,711,780, G>T. VCF-style: chr1-237711780-G-T. GRCh37 (hg19) VCF-style: chr1-237875080-G-T.
Other names: short protein forms Q3422H.
Identifiers: ClinVar variation 4863702 (VCV004863702.1).
Genomic context (GRCh38, chr1:237,711,780, plus strand): 5'-TGAAATTTCCTTTGCAACTTCTCAGAATTTCAAAAGAGAAGAGCAGAACTTCGTTGTACA[G>T]AATGAAATCAACAATATGTCTTTCCTTATTACTGATACCAAGTCAAAGATGTCAAAGGTA-3'
Protein context (NP_001026.2, residues 3412-3432): FKREEQNFVV[Gln3422His]NEINNMSFLI